The following is an entry in ClinVar:

NM_144997.7(FLCN):c.500A>C (p.Gln167Pro)

Gene: FLCN (folliculin; minus strand). Cytogenetic location: 17p11.2.
Variant type: single nucleotide variant.
Coding change: c.500A>C on transcript NM_144997.7 (MANE Select); coding-DNA position 500, A replaced by C.
Protein change: p.Gln167Pro; replaces glutamine 167 with proline.
Molecular consequence: missense variant.
Genome position (GRCh38, 1-based): chr17:17,224,040, T>G on the plus strand (A>C on the coding strand, the complement: FLCN is on the minus strand). VCF-style: chr17-17224040-T-G. GRCh37 (hg19) VCF-style: chr17-17127354-T-G.
Other names: c.500A>C (LRG_325t1); c.554A>C, p.Gln185Pro (NM_001353229.2); c.500A>C, p.Gln167Pro (NM_001353230.2, NM_001353231.2, NM_144606.7); short protein forms Q185P, Q167P.
Identifiers: ClinVar variation 645454 (VCV000645454.7), dbSNP rs1597606955, ClinGen allele CA398534422.
Genomic context (GRCh38, chr17:17,224,040, plus strand): 5'-GGCCAGGAGTTGATGAGGTAGATCCGGTCCATCATGATGGTGATGATGCTGTACCAGCGC[T>G]GGAAGCCCCTGGCCAGGCTGTCCTTGATGAAGAAGGTGTGGCTGAACACAAAGCCGTGCT-3'
Protein context (NP_659434.2, residues 157-177): FIKDSLARGF[Gln167Pro]RWYSIITIMM

ClinVar aggregate classification (germline): Uncertain significance. Review status: criteria provided, multiple submitters, no conflicts (2 of 4 stars). 2 submissions from 2 submitters: Uncertain significance (2). Last evaluated 2025-10-19.

Conditions:
Birt-Hogg-Dube syndrome. Also called: Birt Hogg Dubé syndrome. Identifiers: Orphanet 122, MedGen C0346010, MONDO:0800444.
Hereditary cancer-predisposing syndrome. Also called: Neoplastic Syndromes, Hereditary; Hereditary Cancer Syndrome; Hereditary neoplastic syndrome; Tumor predisposition. Identifiers: Orphanet 140162, MedGen C0027672, MeSH D009386, MONDO:0015356.

Submissions (2):

Ambry Genetics
Classification: Uncertain significance for Hereditary cancer-predisposing syndrome. Last evaluated: 2025-10-19. Review status: criteria provided, single submitter. Criteria: Ambry Variant Classification Scheme 2023. Collection method: clinical testing. Allele origin: germline.
Comment: The p.Q167P variant (also known as c.500A>C), located in coding exon 3 of the FLCN gene, results from an A to C substitution at nucleotide position 500. The glutamine at codon 167 is replaced by proline, an amino acid with similar properties. This amino acid position is conserved. In addition, this alteration is predicted to be deleterious by in silico analysis. Based on the available evidence, the clinical significance of this variant remains unclear.

Labcorp Genetics (formerly Invitae), Labcorp
Classification: Uncertain significance for Birt-Hogg-Dube syndrome. Last evaluated: 2018-08-05. Review status: criteria provided, single submitter. Criteria: Invitae Variant Classification Sherloc (09022015). Collection method: clinical testing. Allele origin: germline.
Comment: In summary, the available evidence is currently insufficient to determine the role of this variant in disease. Therefore, it has been classified as a Variant of Uncertain Significance. This sequence change replaces glutamine with proline at codon 167 of the FLCN protein (p.Gln167Pro). The glutamine residue is highly conserved and there is a moderate physicochemical difference between glutamine and proline. This variant is not present in population databases (ExAC no frequency). This variant has not been reported in the literature in individuals with FLCN-related disease. Algorithms developed to predict the effect of missense changes on protein structure and function are either unavailable or do not agree on the potential impact of this missense change (SIFT: "Tolerated"; PolyPhen-2: "Probably Damaging"; Align-GVGD: "Class C0").